The following is an entry in ClinVar:

ClinVar aggregate classification (germline): Uncertain significance (1 of 4 stars; one submission).

gnomAD v4.1: 1 of 1,614,196 alleles (0.000062%); highest among the groups gnomAD compares: Admixed American, 0.0017%; no homozygotes.

Submission:

Labcorp Genetics (formerly Invitae), Labcorp
Classification: Uncertain significance. Last evaluated: 2025-02-16. Review status: criteria provided, single submitter. Criteria: Invitae Variant Classification Sherloc (09022015). Collection method: clinical testing. Allele origin: germline.
Comment: This sequence change replaces cysteine, which is neutral and slightly polar, with glycine, which is neutral and non-polar, at codon 2431 of the FLNB protein (p.Cys2431Gly). This variant is present in population databases (rs778959875, gnomAD 0.006%). This variant has not been reported in the literature in individuals affected with FLNB-related conditions. Invitae Evidence Modeling of protein sequence and biophysical properties (such as structural, functional, and spatial information, amino acid conservation, physicochemical variation, residue mobility, and thermodynamic stability) indicates that this missense variant is not expected to disrupt FLNB protein function with a negative predictive value of 80%. In summary, the available evidence is currently insufficient to determine the role of this variant in disease. Therefore, it has been classified as a Variant of Uncertain Significance.

NM_001457.4(FLNB):c.7291T>G (p.Cys2431Gly)

Genes: FLNB (filamin B; plus strand), FLNB-AS1 (FLNB antisense RNA 1; minus strand). Cytogenetic location: 3p14.3.
Variant type: single nucleotide variant.
Coding change: c.7291T>G on transcript NM_001457.4 (MANE Select); coding-DNA position 7291, T replaced by G.
Protein change: p.Cys2431Gly; replaces cysteine 2431 with glycine.
Molecular consequence: missense variant.
Genome position (GRCh38, 1-based): chr3:58,168,532, T>G. VCF-style: chr3-58168532-T-G. GRCh37 (hg19) VCF-style: chr3-58154259-T-G.
Other names: c.7384T>G, p.Cys2462Gly (NM_001164317.2); c.7258T>G, p.Cys2420Gly (NM_001164318.2); c.7219T>G, p.Cys2407Gly (NM_001164319.2); short protein forms C2407G, C2420G, C2431G, C2462G.
Identifiers: ClinVar variation 4710628 (VCV004710628.1).
Genomic context (GRCh38, chr3:58,168,532, plus strand): 5'-CGAGCAGGTCCAGGGACATTATCCGTCACCATCGAAGGCCCATCCAAGGTTAAAATGGAT[T>G]GCCAGGAAACACCTGAAGGGTACAAAGTCATGTACACCCCCATGGCTCCTGGTAACTACC-3'
Protein context (NP_001448.2, residues 2421-2441): IEGPSKVKMD[Cys2431Gly]QETPEGYKVM